The following is an entry in ClinVar:

NM_014249.4(NR2E3):c.302_325del (p.Gln101_Cys108del)

Gene: NR2E3 (nuclear receptor subfamily 2 group E member 3; plus strand). Cytogenetic location: 15q23.
Variant type: Deletion.
Coding change: c.302_325del on transcript NM_014249.4 (MANE Select); coding-DNA positions 302 to 325, 24 bases deleted (AGGCCTGCCGGCTGAAGAAGTGCC).
Protein change: p.Gln101_Cys108del.
Molecular consequence: inframe deletion.
Genome position (GRCh38, 1-based): chr15:71,811,822-71,811,845, AGGCCTGCCGGCTGAAGAAGTGCC deleted; deleting any 24 consecutive bases within chr15:71,811,816-71,811,845 gives the same sequence; the c. name uses the placement nearest the transcript's 3' end. VCF-style (leftmost placement, unchanged base first): chr15-71811815-CAGTGCCAGGCCTGCCGGCTGAAGA-C. GRCh37 (hg19) VCF-style: chr15-72104155-CAGTGCCAGGCCTGCCGGCTGAAGA-C.
Other names: c.302_325del, p.Gln101_Cys108del (NM_016346.4); c.302_325del (NM_014249.2).
Identifiers: ClinVar variation 2155106 (VCV002155106.6), dbSNP rs766232933, ClinGen allele CA7640278.

ClinVar aggregate classification (germline): Pathogenic/Likely pathogenic. Review status: criteria provided, multiple submitters, no conflicts (2 of 4 stars). 3 submissions from 3 submitters: Pathogenic (1); Likely pathogenic (2). Last evaluated 2024-05-02.

Conditions:
Enhanced S-cone syndrome (ESCS). Identifiers: Orphanet 53540, MedGen C1849394, MONDO:0100288, MONDO:0009989.
Retinitis pigmentosa 37 (RP37). Identifiers: Orphanet 791, MedGen C1970163, MONDO:0012625, OMIM 611131.

Submissions (3):

Fulgent Genetics
Classification: Likely pathogenic for ENHANCED S-CONE SYNDROME 1; Retinitis pigmentosa 37. Last evaluated: 2024-05-02. Review status: criteria provided, single submitter. Criteria: ACMG Guidelines, 2015. Collection method: clinical testing. Allele origin: germline.

Labcorp Genetics (formerly Invitae), Labcorp
Classification: Pathogenic. Last evaluated: 2024-03-15. Review status: criteria provided, single submitter. Criteria: Invitae Variant Classification Sherloc (09022015). Collection method: clinical testing. Allele origin: germline.
Comment: This variant, c.302_325del, results in the deletion of 8 amino acid(s) of the NR2E3 protein (p.Gln101_Cys108del), but otherwise preserves the integrity of the reading frame. This variant is present in population databases (rs766232933, gnomAD 0.002%). This variant has not been reported in the literature in individuals affected with NR2E3-related conditions. ClinVar contains an entry for this variant (Variation ID: 2155106). This variant disrupts a region of the NR2E3 protein in which other variant(s) (p.Arg104Gln) have been determined to be pathogenic (PMID: 16225923, 19898638, 23374571, 27522502; Invitae). This suggests that this is a clinically significant region of the protein, and that variants that disrupt it are likely to be disease-causing. For these reasons, this variant has been classified as Pathogenic.

Baylor Genetics
Classification: Likely pathogenic for ENHANCED S-CONE SYNDROME 1. Last evaluated: 2024-01-27. Review status: criteria provided, single submitter. Criteria: ACMG Guidelines, 2015. Collection method: clinical testing. Allele origin: unknown.

Literature cited by the submitters: PubMed 16225923 (cited by Labcorp Genetics (formerly Invitae), Labcorp); PubMed 19898638 (cited by Labcorp Genetics (formerly Invitae), Labcorp); PubMed 23374571 (cited by Labcorp Genetics (formerly Invitae), Labcorp); PubMed 27522502 (cited by Labcorp Genetics (formerly Invitae), Labcorp).